The following is an entry in ClinVar:

ClinVar aggregate classification (germline): Uncertain significance. Review status: criteria provided, multiple submitters, no conflicts (2 of 4 stars). 4 submissions from 4 submitters: Uncertain significance (4). Last evaluated 2024-02-22.

Conditions:
Myopia, high, with cataract and vitreoretinal degeneration (MCVD). Identifiers: MedGen C3280346, MONDO:0013670, OMIM 614292.
Inborn genetic diseases. Identifiers: MedGen C0950123, MeSH D030342.

Allele frequency attached by ClinVar (database versions not stated): TOPMed below 0.00001; gnomAD 0.00001; gnomAD exomes 0.00002; ExAC 0.00004; ESP Exome Variant Server 0.00008.
gnomAD v4.1: 36 of 1,610,904 alleles (0.0022%); highest among the groups gnomAD compares: Non-Finnish European, 0.0029%; no homozygotes.

Submissions (4):

Fulgent Genetics
Classification: Uncertain significance for Myopia, high, with cataract and vitreoretinal degeneration. Last evaluated: 2024-02-22. Review status: criteria provided, single submitter. Criteria: ACMG Guidelines, 2015. Collection method: clinical testing. Allele origin: germline.

Labcorp Genetics (formerly Invitae), Labcorp
Classification: Uncertain significance. Last evaluated: 2024-01-19. Review status: criteria provided, single submitter. Criteria: Invitae Variant Classification Sherloc (09022015). Collection method: clinical testing. Allele origin: germline.
Comment: This sequence change replaces arginine, which is basic and polar, with proline, which is neutral and non-polar, at codon 156 of the P3H2 protein (p.Arg156Pro). This variant is present in population databases (rs369467078, gnomAD 0.005%). This variant has not been reported in the literature in individuals affected with P3H2-related conditions. ClinVar contains an entry for this variant (Variation ID: 1038309). Advanced modeling of protein sequence and biophysical properties (such as structural, functional, and spatial information, amino acid conservation, physicochemical variation, residue mobility, and thermodynamic stability) performed at Invitae indicates that this missense variant is not expected to disrupt P3H2 protein function with a negative predictive value of 80%. In summary, the available evidence is currently insufficient to determine the role of this variant in disease. Therefore, it has been classified as a Variant of Uncertain Significance.

Ambry Genetics
Classification: Uncertain significance for Inborn genetic diseases. Last evaluated: 2021-07-14. Review status: criteria provided, single submitter. Criteria: Ambry Variant Classification Scheme 2023. Collection method: clinical testing. Allele origin: germline.

Blueprint Genetics
Classification: Uncertain significance. Last evaluated: 2020-10-12. Review status: criteria provided, single submitter. Criteria: ACMG Guidelines, 2015. Collection method: clinical testing. Allele origin: germline.

NM_018192.4(P3H2):c.467G>C (p.Arg156Pro)

Gene: P3H2 (prolyl 3-hydroxylase 2; minus strand). Cytogenetic location: 3q28.
Variant type: single nucleotide variant.
Coding change: c.467G>C on transcript NM_018192.4 (MANE Select); coding-DNA position 467, G replaced by C.
Protein change: p.Arg156Pro; replaces arginine 156 with proline.
Molecular consequence: missense variant. On other transcripts: intron variant (1).
Genome position (GRCh38, 1-based): chr3:190,120,265, C>G on the plus strand (G>C on the coding strand, the complement: P3H2 is on the minus strand). VCF-style: chr3-190120265-C-G. GRCh37 (hg19) VCF-style: chr3-189838054-C-G.
Other names: c.-64+1938G>C (NM_001134418.2); c.467G>C (NM_018192.3); short protein forms R156P.
Identifiers: ClinVar variation 1038309 (VCV001038309.7), dbSNP rs369467078, ClinGen allele CA2753365.